The following is an entry in ClinVar:

ClinVar aggregate classification (germline): Uncertain significance (1 of 4 stars; one submission).

Conditions:
Neurofibromatosis, type 1 (NF1). Also called: VON RECKLINGHAUSEN DISEASE; Peripheral type neurofibromatosis; Neurofibromatosis, type I; NEUROFIBROMATOSIS, TYPE I, SOMATIC. Identifiers: Orphanet 636, MedGen C0027831, MONDO:0018975, OMIM 162200. Disease mechanism: loss of function.

Submission:

Labcorp Genetics (formerly Invitae), Labcorp
Classification: Uncertain significance for Neurofibromatosis, type 1. Last evaluated: 2023-02-16. Review status: criteria provided, single submitter. Criteria: Invitae Variant Classification Sherloc (09022015). Collection method: clinical testing. Allele origin: germline.
Comment: This sequence change replaces lysine, which is basic and polar, with arginine, which is basic and polar, at codon 2139 of the NF1 protein (p.Lys2139Arg). This variant is not present in population databases (gnomAD no frequency). This variant has not been reported in the literature in individuals affected with NF1-related conditions. ClinVar contains an entry for this variant (Variation ID: 1346263). Advanced modeling of protein sequence and biophysical properties (such as structural, functional, and spatial information, amino acid conservation, physicochemical variation, residue mobility, and thermodynamic stability) performed at Invitae indicates that this missense variant is expected to disrupt NF1 protein function. In summary, the available evidence is currently insufficient to determine the role of this variant in disease. Therefore, it has been classified as a Variant of Uncertain Significance.

NM_001042492.3(NF1):c.6479A>G (p.Lys2160Arg)

Gene: NF1 (neurofibromin 1; plus strand). Cytogenetic location: 17q11.2.
Variant type: single nucleotide variant.
Coding change: c.6479A>G on transcript NM_001042492.3 (MANE Select); coding-DNA position 6479, A replaced by G.
Protein change: p.Lys2160Arg; replaces lysine 2160 with arginine.
Molecular consequence: missense variant.
Genome position (GRCh38, 1-based): chr17:31,337,419, A>G. VCF-style: chr17-31337419-A-G. GRCh37 (hg19) VCF-style: chr17-29664437-A-G.
Other names: c.6416A>G, p.Lys2139Arg (NM_000267.4); short protein forms K2139R, K2160R.
Identifiers: ClinVar variation 1346263 (VCV001346263.8), dbSNP rs2151556119, ClinGen allele CA399013098.
Genomic context (GRCh38, chr17:31,337,419, plus strand): 5'-CTCTTACAGAAGAGACCAAGCAAGTTTTGAGACTCAGTCTGACAGAGTTCTCATTACCCA[A>G]ATTTTACTTGCTGTTTGGCATTAGCAAAGTCAAGTCAGCTGCTGTCATTGCCTTCCGTTC-3'
Protein context (NP_001035957.1, residues 2150-2170): RLSLTEFSLP[Lys2160Arg]FYLLFGISKV